The following is an entry in ClinVar:

ClinVar aggregate classification (germline): Benign/Likely benign. Review status: criteria provided, multiple submitters, no conflicts (2 of 4 stars). 6 submissions from 6 submitters: Benign (4); Likely benign (1). 1 of the submissions does not count toward it. Last evaluated 2026-02-04.

Conditions:
Cardiomyopathy (CMYO). Also called: Cardiomyopathies. Identifiers: Orphanet 167848, MedGen C0878544, MONDO:0004994, HP:0001638. Inheritance: Various modes of inheritance.
Duchenne muscular dystrophy (DMD). Also called: MUSCULAR DYSTROPHY, PSEUDOHYPERTROPHIC PROGRESSIVE, DUCHENNE TYPE; Duchenne Muscular Dystrophy (DMD). Identifiers: Orphanet 98896, MedGen C0013264, MONDO:0010679, OMIM 310200.
Becker muscular dystrophy (BMD). Also called: MUSCULAR DYSTROPHY, PSEUDOHYPERTROPHIC PROGRESSIVE, BECKER TYPE; Becker Muscular Dystrophy (BMD). Identifiers: Orphanet 98895, MedGen C0917713, MONDO:0010311, OMIM 300376.
Dystrophin deficiency.
Cardiovascular phenotype. Identifiers: MedGen CN230736.

Allele frequency attached by ClinVar (database versions not stated): gnomAD 0.00003; gnomAD exomes 0.00005 and 0.00024; TOPMed 0.00010; ExAC 0.00021.
gnomAD v4.1: 51 of 1,208,984 alleles (0.0042%); highest among the groups gnomAD compares: Admixed American, 0.11%; no homozygotes.

Submissions (6):

Labcorp Genetics (formerly Invitae), Labcorp
Classification: Benign for Duchenne muscular dystrophy. Last evaluated: 2026-02-04. Review status: criteria provided, single submitter. Criteria: Invitae Variant Classification Sherloc (09022015). Collection method: clinical testing. Allele origin: germline.

Ambry Genetics
Classification: Benign for Cardiovascular phenotype. Last evaluated: 2022-05-25. Review status: criteria provided, single submitter. Criteria: Ambry Variant Classification Scheme 2023. Collection method: clinical testing. Allele origin: germline.

Women's Health and Genetics/Laboratory Corporation of America, LabCorp
Classification: Benign. Last evaluated: 2020-04-02. Review status: criteria provided, single submitter. Criteria: LabCorp Variant Classification Summary - May 2015. Collection method: clinical testing. Allele origin: germline.
Comment: Variant summary: DMD c.4373T>A (p.Phe1458Tyr) results in a conservative amino acid change in the encoded protein sequence. Four of five in-silico tools predict a benign effect of the variant on protein function. The variant allele was found at a frequency of 0.00024 in 182422 control chromosomes, predominantly at a frequency of 0.0016 within the Latino subpopulation in the gnomAD database, including 12 hemizygotes. The observed variant frequency within Latino control individuals in the gnomAD database is approximately 145 fold of the estimated maximal expected allele frequency for a pathogenic variant in DMD causing Dystrophinopathy phenotype (1.1e-05), strongly suggesting that the variant is a benign polymorphism found primarily in populations of Latino origin. To our knowledge, no occurrence of c.4373T>A in individuals affected with Dystrophinopathies and no experimental evidence demonstrating its impact on protein function have been reported. Two clinical diagnostic laboratories have submitted clinical-significance assessments for this variant to ClinVar after 2014 without evidence for independent evaluation, and both of them classified the variant as benign (1x) / likely benign (1x). Based on the evidence outlined above, the variant was classified as benign.

GeneDx
Classification: Benign. Last evaluated: 2020-02-20. Review status: criteria provided, single submitter. Criteria: GeneDx Variant Classification Process June 2021. Collection method: clinical testing. Allele origin: germline. Affected: yes.

ARUP Laboratories, Molecular Genetics and Genomics, ARUP Laboratories
Classification: Likely benign. Last evaluated: 2018-04-11. Review status: criteria provided, single submitter. Criteria: ARUP Molecular Germline Variant Investigation Process. Collection method: clinical testing. Allele origin: germline.
Comment: The c.4373T>A; p.Phe1458Tyr variant (rs777274879), to our knowledge, is not reported in the medical literature or gene specific variation databases. This variant is listed in the genome Aggregation Database (gnomAD) with a Latino population frequency of 0.2% (identified on 43 out of 26,559 chromosomes, including 12 hemizygotes). The phenylalanine at position 1458 is highly conserved, considering 7 species, and computational analyses of the effects of the p.Phe1458Tyr variant on protein structure and function do not predict a deleterious effect (SIFT: tolerated, PolyPhen-2: benign). Based on the available information, the p.Phe1458Tyr variant is likely to be benign.

Natera, Inc.
Classification: Likely benign for Becker muscular dystrophy; Cardiomyopathy; Duchenne muscular dystrophy; Dystrophin deficiency. Last evaluated: 2020-04-13. Review status: no assertion criteria provided. Collection method: clinical testing. Allele origin: germline. Not counted in ClinVar's aggregate classification.

NM_004006.3(DMD):c.4373T>A (p.Phe1458Tyr)

Gene: DMD (dystrophin; minus strand). Cytogenetic location: Xp21.1.
Variant type: single nucleotide variant.
Coding change: c.4373T>A on transcript NM_004006.3 (MANE Select); coding-DNA position 4373, T replaced by A.
Protein change: p.Phe1458Tyr; replaces phenylalanine 1458 with tyrosine.
Molecular consequence: missense variant.
Genome position (GRCh38, 1-based): chrX:32,389,646, A>T on the plus strand (T>A on the coding strand, the complement: DMD is on the minus strand). VCF-style: chrX-32389646-A-T. GRCh37 (hg19) VCF-style: chrX-32407763-A-T.
Other names: c.4349T>A, p.Phe1450Tyr (NM_000109.4); c.4361T>A, p.Phe1454Tyr (NM_004009.3); c.4004T>A, p.Phe1335Tyr (NM_004010.3); c.350T>A, p.Phe117Tyr (NM_004011.4); c.341T>A, p.Phe114Tyr (NM_004012.4); short protein forms F1458Y, F1335Y, F1454Y, F117Y, F114Y, F1450Y.
Identifiers: ClinVar variation 618604 (VCV000618604.27), dbSNP rs777274879, ClinGen allele CA10378961.